The following is an entry in ClinVar:

NM_001457.4(FLNB):c.2734C>G (p.Pro912Ala)

Gene: FLNB (filamin B; plus strand). Cytogenetic location: 3p14.3.
Variant type: single nucleotide variant.
Coding change: c.2734C>G on transcript NM_001457.4 (MANE Select); coding-DNA position 2734, C replaced by G.
Protein change: p.Pro912Ala; replaces proline 912 with alanine.
Molecular consequence: missense variant.
Genome position (GRCh38, 1-based): chr3:58,112,307, C>G. VCF-style: chr3-58112307-C-G. GRCh37 (hg19) VCF-style: chr3-58098034-C-G.
Other names: c.2734C>G, p.Pro912Ala (NM_001164317.2, NM_001164318.2, NM_001164319.2); short protein forms P912A.
Identifiers: ClinVar variation 1371180 (VCV001371180.6), dbSNP rs2107130759, ClinGen allele CA353346077.

ClinVar aggregate classification (germline): Uncertain significance (1 of 4 stars; one submission).

Submission:

Labcorp Genetics (formerly Invitae), Labcorp
Classification: Uncertain significance. Last evaluated: 2021-08-06. Review status: criteria provided, single submitter. Criteria: Invitae Variant Classification Sherloc (09022015). Collection method: clinical testing. Allele origin: germline.
Comment: In summary, the available evidence is currently insufficient to determine the role of this variant in disease. Therefore, it has been classified as a Variant of Uncertain Significance. Algorithms developed to predict the effect of sequence changes on RNA splicing suggest that this variant may create or strengthen a splice site. Algorithms developed to predict the effect of missense changes on protein structure and function (SIFT, PolyPhen-2, Align-GVGD) all suggest that this variant is likely to be disruptive. This variant has not been reported in the literature in individuals affected with FLNB-related conditions. This variant is not present in population databases (ExAC no frequency). This sequence change replaces proline with alanine at codon 912 of the FLNB protein (p.Pro912Ala). The proline residue is highly conserved and there is a small physicochemical difference between proline and alanine.